The following is an entry in ClinVar:

ClinVar aggregate classification (germline): Uncertain significance (1 of 4 stars; one submission).

Conditions:
Inborn genetic diseases. Identifiers: MedGen C0950123, MeSH D030342.

Allele frequency attached by ClinVar (database versions not stated): gnomAD exomes below 0.00001; TOPMed below 0.00001; gnomAD 0.00001.
gnomAD v4.1: 3 of 1,613,368 alleles (0.00019%); highest among the groups gnomAD compares: Non-Finnish European, 0.00025%; no homozygotes.

Submission:

Ambry Genetics
Classification: Uncertain significance for Inborn genetic diseases. Last evaluated: 2020-11-12. Review status: criteria provided, single submitter. Criteria: Ambry Variant Classification Scheme 2023. Collection method: clinical testing. Allele origin: germline.
Comment: The c.1277A>G (p.Q426R) alteration is located in exon 8 (coding exon 7) of the SIN3A gene. This alteration results from an A to G substitution at nucleotide position 1277, causing the glutamine (Q) at amino acid position 426 to be replaced by an arginine (R). Based on data from the Genome Aggregation Database (gnomAD), the SIN3A c.1277A>G alteration was not observed, with coverage at this position. This amino acid position is conserved in available vertebrate species. The p.Q426R alteration is predicted to be tolerated by in silico analysis. Based on insufficient or conflicting evidence, the clinical significance of this alteration remains unclear.

NM_001145358.2(SIN3A):c.1277A>G (p.Gln426Arg)

Gene: SIN3A (SIN3 transcription regulator family member A; minus strand). Cytogenetic location: 15q24.2.
Variant type: single nucleotide variant.
Coding change: c.1277A>G on transcript NM_001145358.2 (MANE Select); coding-DNA position 1277, A replaced by G.
Protein change: p.Gln426Arg; replaces glutamine 426 with arginine.
Molecular consequence: missense variant.
Genome position (GRCh38, 1-based): chr15:75,409,876, T>C on the plus strand (A>G on the coding strand, the complement: SIN3A is on the minus strand). VCF-style: chr15-75409876-T-C. GRCh37 (hg19) VCF-style: chr15-75702217-T-C.
Other names: c.1277A>G, p.Gln426Arg (NM_001145357.2, NM_015477.3); short protein forms Q426R.
Identifiers: ClinVar variation 2227888 (VCV002227888.2), dbSNP rs1283802481, ClinGen allele CA393443092.